The following is an entry in ClinVar:

NM_001298.3(CNGA3):c.1695G>A (p.Thr565=)

Gene: CNGA3 (cyclic nucleotide gated channel subunit alpha 3; plus strand). Cytogenetic location: 2q11.2.
Variant type: single nucleotide variant.
Coding change: c.1695G>A on transcript NM_001298.3 (MANE Select); coding-DNA position 1695, G replaced by A.
Protein change: p.Thr565=; no amino-acid change (threonine 565 retained).
Molecular consequence: synonymous variant.
Genome position (GRCh38, 1-based): chr2:98,396,865, G>A. VCF-style: chr2-98396865-G-A. GRCh37 (hg19) VCF-style: chr2-99013328-G-A.
Other names: c.1641G>A, p.Thr547= (NM_001079878.2).
Identifiers: ClinVar variation 731427 (VCV000731427.9), dbSNP rs764338481, ClinGen allele CA1794071.

ClinVar aggregate classification (germline): Likely benign. Review status: criteria provided, multiple submitters, no conflicts (2 of 4 stars). 2 submissions from 2 submitters: Likely benign (2). Last evaluated 2026-05-27.

Conditions:
CNGA3-related disorder. Also called: CNGA3-related condition.

Allele frequency attached by ClinVar (database versions not stated): ExAC 0.00002; gnomAD exomes 0.00002 and 0.00004; gnomAD 0.00005; TOPMed 0.00008.
gnomAD v4.1: 37 of 1,614,062 alleles (0.0023%); highest among the groups gnomAD compares: African/African-American, 0.0067%; no homozygotes.

Submissions (2):

PreventionGenetics, part of Exact Sciences
Classification: Likely benign for CNGA3-related condition. Last evaluated: 2026-05-27. Review status: criteria provided, single submitter. Criteria: ACMG Guidelines, 2015. Collection method: clinical testing. Allele origin: germline.
Comment: This variant is classified as likely benign based on ACMG/AMP sequence variant interpretation guidelines (Richards et al. 2015 PMID: 25741868, with internal and published modifications).

Labcorp Genetics (formerly Invitae), Labcorp
Classification: Likely benign. Last evaluated: 2025-12-01. Review status: criteria provided, single submitter. Criteria: Invitae Variant Classification Sherloc (09022015). Collection method: clinical testing. Allele origin: germline.